The following is an entry in ClinVar:

NM_001042545.2(LTBP4):c.1135C>T (p.Leu379Phe)

Gene: LTBP4 (latent transforming growth factor beta binding protein 4; plus strand). Cytogenetic location: 19q13.2.
Variant type: single nucleotide variant.
Coding change: c.1135C>T on transcript NM_001042545.2 (MANE Select); coding-DNA position 1135, C replaced by T.
Protein change: p.Leu379Phe; replaces leucine 379 with phenylalanine.
Molecular consequence: missense variant.
Genome position (GRCh38, 1-based): chr19:40,607,508, C>T. VCF-style: chr19-40607508-C-T. GRCh37 (hg19) VCF-style: chr19-41113414-C-T.
Other names: c.1336C>T, p.Leu446Phe (NM_001042544.1); c.1225C>T, p.Leu409Phe (NM_003573.2); short protein forms L379F, L409F, L446F.
Identifiers: ClinVar variation 2082994 (VCV002082994.3), dbSNP rs749400782, ClinGen allele CA9448187.

ClinVar aggregate classification (germline): Uncertain significance. Review status: criteria provided, multiple submitters, no conflicts (2 of 4 stars). 3 submissions from 3 submitters: Uncertain significance (3). Last evaluated 2025-05-28.

Conditions:
Inborn genetic diseases. Identifiers: MedGen C0950123, MeSH D030342.

Allele frequency attached by ClinVar (database versions not stated): TOPMed 0.00001; ExAC 0.00001; gnomAD 0.00001; gnomAD exomes 0.00003.

Submissions (3):

Ambry Genetics
Classification: Uncertain significance for Inborn genetic diseases. Last evaluated: 2025-05-28. Review status: criteria provided, single submitter. Criteria: Ambry Variant Classification Scheme 2023. Collection method: clinical testing. Allele origin: germline.

GeneDx
Classification: Uncertain significance. Last evaluated: 2024-06-27. Review status: criteria provided, single submitter. Criteria: GeneDx Variant Classification Process June 2021. Collection method: clinical testing. Allele origin: germline. Affected: yes.
Comment: Not observed at significant frequency in large population cohorts (gnomAD); In silico analysis indicates that this missense variant does not alter protein structure/function; Has not been previously published as pathogenic or benign to our knowledge

Labcorp Genetics (formerly Invitae), Labcorp
Classification: Uncertain significance. Last evaluated: 2022-05-24. Review status: criteria provided, single submitter. Criteria: Invitae Variant Classification Sherloc (09022015). Collection method: clinical testing. Allele origin: germline.
Comment: This sequence change replaces leucine, which is neutral and non-polar, with phenylalanine, which is neutral and non-polar, at codon 409 of the LTBP4 protein (p.Leu409Phe). This variant is not present in population databases (gnomAD no frequency). This variant has not been reported in the literature in individuals affected with LTBP4-related conditions. Experimental studies and prediction algorithms are not available or were not evaluated, and the functional significance of this variant is currently unknown. In summary, the available evidence is currently insufficient to determine the role of this variant in disease. Therefore, it has been classified as a Variant of Uncertain Significance.